The following is an entry in ClinVar:

ClinVar aggregate classification (germline): Likely benign (1 of 4 stars; one submission).

Allele frequency attached by ClinVar (database versions not stated): gnomAD 0.00009; TOPMed 0.00012.
gnomAD v4.1: 58 of 398,046 alleles (0.015%); highest among the groups gnomAD compares: Middle Eastern, 0.062%; no homozygotes.

Submission:

CeGaT Center for Human Genetics Tuebingen
Classification: Likely benign. Last evaluated: 2026-02-01. Review status: criteria provided, single submitter. Criteria: CeGaT Center For Human Genetics Tuebingen Variant Classification Criteria Version 2. Collection method: clinical testing. Allele origin: germline. Affected: yes. Observed: 3 variant alleles.
Comment: KCNQ1OT1: BS2

NM_000218.3(KCNQ1):c.1394-17468C>T

Genes: KCNQ1 (potassium voltage-gated channel subfamily Q member 1; plus strand), KCNQ1OT1 (KCNQ1 opposite strand/antisense transcript 1; minus strand). Cytogenetic location: 11p15.5.
Variant type: single nucleotide variant.
Coding change: c.1394-17468C>T on transcript NM_000218.3 (MANE Select); 17468 bases into the intron before coding-DNA position 1394, C replaced by T.
Molecular consequence: intron variant. On other transcripts: non-coding transcript variant (1).
Genome position (GRCh38, 1-based): chr11:2,644,493, C>T. VCF-style: chr11-2644493-C-T. GRCh37 (hg19) VCF-style: chr11-2665723-C-T.
Other names: c.1124-17468C>T (NM_001406837.1); c.1298-17468C>T (NM_001406836.1); c.854-17468C>T (NM_001406838.1); c.1013-17468C>T (NM_181798.2).
Identifiers: ClinVar variation 2641415 (VCV002641415.24), dbSNP rs552493971, ClinGen allele CA216157152.
Genomic context (GRCh38, chr11:2,644,493, plus strand): 5'-TTTTATATCTATCTCTTGGGCAAATTTCTCATTCATACCCCGAATTGTTTTTTCTGATTT[C>T]TTTGTATAGTCTATCAGATCTTCTTTAATATTATATTGAATTTTTCAAGGTTTCATCAAT-3'